The following is an entry in ClinVar:

ClinVar aggregate classification (germline): Pathogenic/Likely pathogenic. Review status: criteria provided, multiple submitters, no conflicts (2 of 4 stars). 3 submissions from 3 submitters: Pathogenic (1); Likely pathogenic (2). Last evaluated 2026-01-16.

Conditions:
Coffin-Siris syndrome. Identifiers: Orphanet 1465, MedGen C0265338, MONDO:0015452.
Coffin-Siris syndrome 1 (CSS1). Also called: ARID1B-Related Coffin-Siris Syndrome; Mental retardation, autosomal dominant 12. Identifiers: Orphanet 1465, MedGen C3281201, MONDO:0007617, OMIM 135900. Disease mechanism: gain of function.

Submissions (3):

Clinical Genetics Laboratory, Skane University Hospital Lund
Classification: Likely pathogenic for Coffin-Siris syndrome. Last evaluated: 2026-01-16. Review status: criteria provided, single submitter. Criteria: ACMG Guidelines, 2015. Collection method: clinical testing. Allele origin: de novo. Inheritance: Autosomal dominant inheritance. Affected: yes.
Comment: ACMG criteria used: PS2_Moderate, PS4_Moderate, PM2, PP3

GeneDx
Classification: Likely pathogenic. Last evaluated: 2023-06-07. Review status: criteria provided, single submitter. Criteria: GeneDx Variant Classification Process June 2021. Collection method: clinical testing. Allele origin: germline. Affected: yes.
Comment: Not observed in large population cohorts (gnomAD); In silico analysis, which includes splice predictors and evolutionary conservation, supports a deleterious effect; In silico analysis is inconclusive as to whether the variant alters gene splicing. In the absence of RNA/functional studies, the actual effect of this sequence change is unknown.; Has not been previously published as pathogenic or benign to our knowledge

Institute for Genomic Statistics and Bioinformatics, University Hospital Bonn
Classification: Pathogenic for Coffin-Siris syndrome 1. Review status: criteria provided, single submitter. Criteria: ACMG Guidelines, 2015. Collection method: clinical testing. Allele origin: unknown. Affected: yes. Observed: 1 variant allele.

NM_001374828.1(ARID1B):c.3345G>A (p.Lys1115=)

Gene: ARID1B (AT-rich interaction domain 1B; plus strand). Cytogenetic location: 6q25.3.
Variant type: single nucleotide variant.
Coding change: c.3345G>A on transcript NM_001374828.1 (MANE Select); coding-DNA position 3345, G replaced by A.
Protein change: p.Lys1115=; no amino-acid change (lysine 1115 retained).
Molecular consequence: synonymous variant.
Genome position (GRCh38, 1-based): chr6:157,174,117, G>A. VCF-style: chr6-157174117-G-A. GRCh37 (hg19) VCF-style: chr6-157495251-G-A.
Other names: c.3135G>A, p.Lys1045= (NM_020732.3); c.846G>A, p.Lys282= (NM_001363725.2); c.3384G>A, p.Lys1128= (NM_001371656.1, NM_001374820.1); c.3345G>A, p.Lys1115= (NM_017519.3).
Identifiers: ClinVar variation 694701 (VCV000694701.3), dbSNP rs1583451360, ClinGen allele CA452779887.